The following is an entry in ClinVar:

NM_007294.4(BRCA1):c.2490_2497dup (p.Leu833fs)

Gene: BRCA1 (BRCA1 DNA repair associated; minus strand). Cytogenetic location: 17q21.31.
Variant type: Duplication.
Coding change: c.2490_2497dup on transcript NM_007294.4 (MANE Select); coding-DNA positions 2490 to 2497, 8 bases duplicated (GTATCCAT; older notation c.2490_2497dupGTATCCAT).
Protein change: p.Leu833fs; shifts the reading frame from leucine 833.
Molecular consequence: frameshift variant. On other transcripts: intron variant (137).
Genome position (GRCh38, 1-based): chr17:43,093,034-43,093,041, ATGGATAC duplicated on the plus strand (GTATCCAT on the coding strand, the reverse complement: BRCA1 is on the minus strand). VCF-style (leftmost placement, unchanged base first): chr17-43093033-A-AATGGATAC. GRCh37 (hg19) VCF-style: chr17-41245050-A-AATGGATAC.
Other names: 2609dup8; c.2277_2284dup, p.Leu762fs (NM_001407571.1, NM_001407853.1, NM_001407894.1 and 9 more transcripts); c.2490_2497dup, p.Leu833fs (NM_001407581.1, NM_001407582.1, NM_001407583.1 and 30 more transcripts); c.2487_2494dup, p.Leu832fs (NM_001407587.1, NM_001407590.1, NM_001407591.1 and 22 more transcripts); c.2412_2419dup, p.Leu807fs (NM_001407653.1, NM_001407654.1, NM_001407655.1 and 4 more transcripts); c.2409_2416dup, p.Leu806fs (NM_001407659.1, NM_001407660.1, NM_001407661.1 and 1 more transcripts); c.2364_2371dup, p.Leu791fs (NM_001407670.1, NM_001407671.1, NM_001407672.1 and 11 more transcripts); c.2367_2374dup, p.Leu792fs (NM_001407674.1, NM_001407675.1, NM_001407676.1 and 19 more transcripts); and 42 more; short protein forms L786fs, L833fs, L665fs, L705fs, L706fs, L744fs, L745fs, L765fs.
Identifiers: ClinVar variation 266270 (VCV000266270.7), dbSNP rs1555589539, ClinGen allele CA10589845.
Genomic context (GRCh38, chr17:43,093,033, plus strand): 5'-TCAAGTTCACTTTCTTCCATTTCTATGCTTGTTTCCCGACTGTGGTTAACTTCATGTCCC[A>AATGGATAC]ATGGATACTTAAAGCCTTCTGTGTCATTTCTATTATCTTTGGAACAACCATGAATTAGTC-3'

ClinVar aggregate classification (germline): Pathogenic. Review status: reviewed by expert panel (3 of 4 stars). 2 submissions from 2 submitters: Pathogenic (1). 1 of the submissions does not count toward it. Last evaluated 2016-10-18.

Conditions:
Breast-ovarian cancer, familial, susceptibility to, 1 (BROVCA1). Also called: BRCA1 Hereditary Breast and Ovarian Cancer; OVARIAN CANCER, SUSCEPTIBILITY TO. Identifiers: Orphanet 145, MedGen C2676676, MONDO:0011450, OMIM 604370. Disease mechanism: loss of function.

Submissions (2):

Evidence-based Network for the Interpretation of Germline Mutant Alleles (ENIGMA)
Classification: Pathogenic for Breast-ovarian cancer, familial, susceptibility to, 1. Last evaluated: 2016-10-18. Review status: reviewed by expert panel. Criteria: ENIGMA BRCA1/2 Classification Criteria (2015). Collection method: curation. Allele origin: germline.
Comment: Variant allele predicted to encode a truncated non-functional protein.

Consortium of Investigators of Modifiers of BRCA1/2 (CIMBA), c/o University of Cambridge
Classification: Pathogenic for Breast-ovarian cancer, familial, susceptibility to, 1. Last evaluated: 2015-10-02. Review status: criteria provided, single submitter. Criteria: CIMBA Mutation Classification guidelines May 2016. Collection method: clinical testing. Allele origin: germline. Not counted in ClinVar's aggregate classification.